The following is an entry in ClinVar:

ClinVar aggregate classification (germline): Likely benign (1 of 4 stars; one submission).

gnomAD v4.1: 728 of 1,535,850 alleles (0.047%); highest among the groups gnomAD compares: African/African-American, 0.91%; 5 homozygotes.

Submission:

CeGaT Center for Human Genetics Tuebingen
Classification: Likely benign. Last evaluated: 2026-06-01. Review status: criteria provided, single submitter. Criteria: CeGaT Center For Human Genetics Tuebingen Variant Classification Criteria Version 2. Collection method: clinical testing. Allele origin: germline. Affected: yes. Observed: 2 variant alleles.
Comment: BRSK2: BP4, BP7, BS1

NM_001256627.2(BRSK2):c.543C>T (p.Tyr181=)

Gene: BRSK2 (BR serine/threonine kinase 2; plus strand). Cytogenetic location: 11p15.5.
Variant type: single nucleotide variant.
Coding change: c.543C>T on transcript NM_001256627.2 (MANE Select); coding-DNA position 543, C replaced by T.
Protein change: p.Tyr181=; no amino-acid change (tyrosine 181 retained).
Molecular consequence: synonymous variant. On other transcripts: non-coding transcript variant (1).
Genome position (GRCh38, 1-based): chr11:1,443,118, C>T. VCF-style: chr11-1443118-C-T. GRCh37 (hg19) VCF-style: chr11-1464348-C-T.
Other names: c.543C>T, p.Tyr181= (NM_001256629.2, NM_001440665.1, NM_001440666.1 and 3 more transcripts); c.681C>T, p.Tyr227= (NM_001256630.1, NM_001440667.1); c.363C>T, p.Tyr121= (NM_001282218.2, NM_001440669.1, NM_001440671.1 and 5 more transcripts).
Identifiers: ClinVar variation 4872282 (VCV004872282.2).